The following is an entry in ClinVar:

NM_005228.5(EGFR):c.2441T>C (p.Leu814Pro)

Genes: EGFR-AS1 (EGFR antisense RNA 1; minus strand), EGFR (epidermal growth factor receptor; plus strand). Cytogenetic location: 7p11.2.
Variant type: single nucleotide variant.
Coding change: c.2441T>C on transcript NM_005228.5 (MANE Select); coding-DNA position 2441, T replaced by C.
Protein change: p.Leu814Pro; replaces leucine 814 with proline.
Molecular consequence: missense variant. On other transcripts: non-coding transcript variant (1).
Genome position (GRCh38, 1-based): chr7:55,181,450, T>C. VCF-style: chr7-55181450-T-C. GRCh37 (hg19) VCF-style: chr7-55249143-T-C.
Other names: c.2306T>C, p.Leu769Pro (NM_001346897.2, NM_001346899.2); c.2441T>C, p.Leu814Pro (NM_001346898.2); c.2282T>C, p.Leu761Pro (NM_001346900.2); c.1640T>C, p.Leu547Pro (NM_001346941.2); short protein forms L547P, L769P, L761P, L814P.
Identifiers: ClinVar variation 943799 (VCV000943799.9), dbSNP rs1786872237, ClinGen allele CA367579012.

ClinVar aggregate classification (germline): Uncertain significance (1 of 4 stars; one submission).

Conditions:
EGFR-related lung cancer (EGFR). Identifiers: MedGen CN130014.

Submission:

Labcorp Genetics (formerly Invitae), Labcorp
Classification: Uncertain significance for EGFR-related lung cancer. Last evaluated: 2019-08-28. Review status: criteria provided, single submitter. Criteria: Invitae Variant Classification Sherloc (09022015). Collection method: clinical testing. Allele origin: germline.
Comment: This sequence change replaces leucine with proline at codon 814 of the EGFR protein (p.Leu814Pro). The leucine residue is highly conserved and there is a moderate physicochemical difference between leucine and proline. In summary, the available evidence is currently insufficient to determine the role of this variant in disease. Therefore, it has been classified as a Variant of Uncertain Significance. Algorithms developed to predict the effect of missense changes on protein structure and function are either unavailable or do not agree on the potential impact of this missense change (SIFT: "Deleterious"; PolyPhen-2: "Probably Damaging"; Align-GVGD: "Class C0"). This variant has not been reported in the literature in individuals with EGFR-related conditions. This variant is not present in population databases (ExAC no frequency).